The following is an entry in ClinVar:

ClinVar aggregate classification (germline): Uncertain significance (0 of 4 stars; one submission).

Conditions:
CAMTA1-related disorder. Also called: CAMTA1-related condition.

Submission:

PreventionGenetics, part of Exact Sciences
Classification: Uncertain significance for CAMTA1-related condition. Last evaluated: 2024-04-23. Review status: no assertion criteria provided. Collection method: clinical testing. Allele origin: germline.
Comment: The CAMTA1 c.596_598delTCA variant is predicted to result in an in-frame deletion (p.Ile199del). To our knowledge, this variant has not been reported in the literature or in a large population database, indicating this variant is rare. At this time, the clinical significance of this variant is uncertain due to the absence of conclusive functional and genetic evidence.

NM_015215.4(CAMTA1):c.596_598del (p.Ile199del)

Gene: CAMTA1 (calmodulin binding transcription activator 1; plus strand). Cytogenetic location: 1p36.23.
Variant type: Deletion.
Coding change: c.596_598del on transcript NM_015215.4 (MANE Select); coding-DNA positions 596 to 598, 3 bases deleted (TCA; older notation c.596_598delTCA).
Protein change: p.Ile199del; deletes isoleucine 199.
Molecular consequence: inframe deletion.
Genome position (GRCh38, 1-based): chr1:7,640,485-7,640,487, TCA deleted; deleting any 3 consecutive bases within chr1:7,640,483-7,640,487 gives the same sequence; the c. name uses the placement nearest the transcript's 3' end. VCF-style (leftmost placement, unchanged base first): chr1-7640482-CCAT-C. GRCh37 (hg19) VCF-style: chr1-7700542-CCAT-C.
Other names: c.506_508del, p.Ile169del (NM_001349608.2, NM_001349612.2); c.596_598del, p.Ile199del (NM_001349609.2, NM_001349610.2, NM_001410737.1); c.524_526del, p.Ile175del (NM_001410738.1); short protein forms I169del, I175del, I199del.
Identifiers: ClinVar variation 3345651 (VCV003345651.1).